The following is an entry in ClinVar:

ClinVar aggregate classification (germline): Pathogenic. Review status: criteria provided, multiple submitters, no conflicts (2 of 4 stars). 2 submissions from 2 submitters: Pathogenic (2). Last evaluated 2023-05-03.

Conditions:
Familial adenomatous polyposis 4 (FAP4). Also called: MSH3-related attenuated familial adenomatous polyposis. Identifiers: Orphanet 480536, MedGen C4310719, MONDO:0044300, OMIM 617100.
Hereditary cancer-predisposing syndrome. Also called: Tumor predisposition; Hereditary Cancer Syndrome; Neoplastic Syndromes, Hereditary; Hereditary neoplastic syndrome. Identifiers: Orphanet 140162, MedGen C0027672, MeSH D009386, MONDO:0015356.

Submissions (2):

Myriad Genetics, Inc.
Classification: Pathogenic for Familial adenomatous polyposis 4. Last evaluated: 2023-05-03. Review status: criteria provided, single submitter. Criteria: Myriad Autosomal Dominant, Autosomal Recessive and X-Linked Classification Criteria (2023). Collection method: clinical testing. Allele origin: unknown.
Comment: This variant is considered pathogenic. This variant creates a termination codon and is predicted to result in premature protein truncation.

Ambry Genetics
Classification: Pathogenic for Hereditary cancer-predisposing syndrome. Last evaluated: 2022-07-27. Review status: criteria provided, single submitter. Criteria: Ambry Variant Classification Scheme 2023. Collection method: clinical testing. Allele origin: germline.
Comment: The p.Y946* pathogenic mutation (also known as c.2838T>A), located in coding exon 21 of the MSH3 gene, results from a T to A substitution at nucleotide position 2838. This changes the amino acid from a tyrosine to a stop codon within coding exon 21. This variant is considered to be rare based on population cohorts in the Genome Aggregation Database (gnomAD). This alteration is expected to result in loss of function by premature protein truncation or nonsense-mediated mRNA decay. As such, this alteration is interpreted as a disease-causing mutation.

NM_002439.5(MSH3):c.2838T>A (p.Tyr946Ter)

Gene: MSH3 (mutS homolog 3; plus strand). Cytogenetic location: 5q14.1.
Variant type: single nucleotide variant.
Coding change: c.2838T>A on transcript NM_002439.5 (MANE Select); coding-DNA position 2838, T replaced by A.
Protein change: p.Tyr946Ter; replaces tyrosine 946 with a stop codon.
Molecular consequence: nonsense.
Genome position (GRCh38, 1-based): chr5:80,854,154, T>A. VCF-style: chr5-80854154-T-A. GRCh37 (hg19) VCF-style: chr5-80149973-T-A.
Other names: short protein forms Y946*.
Identifiers: ClinVar variation 1796676 (VCV001796676.4), dbSNP rs2478771486, ClinGen allele CA360275506.